The following is an entry in ClinVar:

NM_005476.7(GNE):c.526G>A (p.Asp176Asn)

Gene: GNE (glucosamine (UDP-N-acetyl)-2-epimerase/N-acetylmannosamine kinase; minus strand). Cytogenetic location: 9p13.3.
Variant type: single nucleotide variant.
Coding change: c.526G>A on transcript NM_005476.7 (MANE Select); coding-DNA position 526, G replaced by A.
Protein change: p.Asp176Asn; replaces aspartic acid 176 with asparagine.
Molecular consequence: missense variant.
Genome position (GRCh38, 1-based): chr9:36,246,121, C>T on the plus strand (G>A on the coding strand, the complement: GNE is on the minus strand). VCF-style: chr9-36246121-C-T. GRCh37 (hg19) VCF-style: chr9-36246118-C-T.
Other names: c.619G>A, p.Asp207Asn (NM_001128227.3); c.526G>A, p.Asp176Asn (NM_001190383.3, NM_001374797.1); c.349G>A, p.Asp117Asn (NM_001190384.3, NM_001190388.2, NM_001374798.1); short protein forms D117N, D176N, D207N.
Identifiers: ClinVar variation 1025306 (VCV001025306.3), dbSNP rs774229314, ClinGen allele CA5056717.
Genomic context (GRCh38, chr9:36,246,121, plus strand): 5'-CTTTGTTCTTGGCTGAGAGAAGTTTGTCATAGGAAGGGCAGCCTGCCAAAAGGATGCGAT[C>T]ATGGTCCTCACACATGGATATCAGGTGCTGCTCTGCACTGCGGGTGCAGCACACATGATA-3'
Protein context (NP_005467.1, residues 166-186): QHLISMCEDH[Asp176Asn]RILLAGCPSY

ClinVar aggregate classification (germline): Uncertain significance (1 of 4 stars; one submission).

Conditions:
GNE myopathy (NM). Also called: IBM 2; Inclusion body myopathy autosomal recessive; Inclusion body myopathy quadriceps sparing; MYOPATHY, DISTAL, WITH OR WITHOUT RIMMED VACUOLES; NONAKA DISTAL MYOPATHY; INCLUSION BODY MYOPATHY, HEREDITARY, AUTOSOMAL RECESSIVE. Identifiers: Orphanet 602, MedGen C1853926, MONDO:0011603, OMIM 605820.
Sialuria. Also called: Sialic Acid Storage Disease; SIALURIA, FRENCH TYPE. Identifiers: Orphanet 3166, MedGen C0342853, MONDO:0010028, OMIM 269921.

Allele frequency attached by ClinVar (database versions not stated): ExAC 0.00001; gnomAD exomes 0.00001.
gnomAD v4.1: 10 of 1,614,220 alleles (0.00062%); highest among the groups gnomAD compares: Admixed American, 0.0067%; no homozygotes.

Submission:

Labcorp Genetics (formerly Invitae), Labcorp
Classification: Uncertain significance for Sialuria; GNE myopathy. Last evaluated: 2025-11-09. Review status: criteria provided, single submitter. Criteria: Invitae Variant Classification Sherloc (09022015). Collection method: clinical testing. Allele origin: germline.
Comment: This sequence change replaces aspartic acid, which is acidic and polar, with asparagine, which is neutral and polar, at codon 207 of the GNE protein (p.Asp207Asn). This variant is present in population databases (rs774229314, gnomAD 0.006%). This variant has not been reported in the literature in individuals affected with GNE-related conditions. ClinVar contains an entry for this variant (Variation ID: 1025306). Invitae Evidence Modeling of protein sequence and biophysical properties (such as structural, functional, and spatial information, amino acid conservation, physicochemical variation, residue mobility, and thermodynamic stability) has been performed for this missense variant. However, the output from this modeling did not meet the statistical confidence thresholds required to predict the impact of this variant on GNE protein function. This variant disrupts the p.Asp207 amino acid residue in GNE. Other variant(s) that disrupt this residue have been determined to be pathogenic (PMID: 12473753, 14707127, 18383535, 20030229, 24474513, 26161358, 28403181, 28895049, 29307446). This suggests that this residue is clinically significant, and that variants that disrupt this residue are likely to be disease-causing. In summary, the available evidence is currently insufficient to determine the role of this variant in disease. Therefore, it has been classified as a Variant of Uncertain Significance.

Literature cited by the submitters: PubMed 12473753; PubMed 14707127; PubMed 18383535; PubMed 20030229; PubMed 24474513; PubMed 26161358; PubMed 28403181; PubMed 28895049; PubMed 29307446.